The following is an entry in ClinVar:

ClinVar aggregate classification (germline): Pathogenic (3 of 4 stars; one submission).

Conditions:
Glanzmann thrombasthenia. Also called: THROMBASTHENIA OF GLANZMANN AND NAEGELI; BLEEDING DISORDER, PLATELET-TYPE, 2; Thrombasthenia; PLATELET GLYCOPROTEIN IIb-IIIa DEFICIENCY; Glanzmann's thrombasthenia. Identifiers: Orphanet 849, MedGen C0040015, MONDO:0100326.

Submission:

ClinGen Platelet Disorders Variant Curation Expert Panel, ClinGen
Classification: Pathogenic for Glanzmann thrombasthenia. Last evaluated: 2021-09-03. Review status: reviewed by expert panel. Criteria: ClinGen Platelet ACMG Specifications v2. Collection method: curation. Allele origin: germline. Inheritance: Autosomal recessive inheritance.
Comment: The ITGB3 frameshift variant NM_000212.3:c.1129dupA/p.Ile377AsnfsTer4 has been observed in a compound heterozygote individual presenting with phenotypes specific to GT (TE; PMID: 21113249) with the trans ITGB3 variant (c.856G>A/p.Gly286Arg). This frameshift variant occurs in exon 9 results in 3 altered amino acids followed by an early termination codon. Furthermore, this variant is absent from population databases. In summary, this variant meets criteria to be classified as pathogenic for GT. GT-specific criteria applied: PVS1, PM2_Supporting, PP4_Strong.

NM_000212.3(ITGB3):c.1129dup (p.Ile377fs)

Gene: ITGB3 (integrin subunit beta 3; plus strand). Cytogenetic location: 17q21.32.
Variant type: Duplication.
Coding change: c.1129dup on transcript NM_000212.3 (MANE Select); coding-DNA position 1129, one base duplicated (A; older notation c.1129dupA).
Protein change: p.Ile377fs; shifts the reading frame from isoleucine 377.
Molecular consequence: frameshift variant.
Genome position (GRCh38, 1-based): chr17:47,290,957, A duplicated; the last of 4 consecutive A bases (chr17:47,290,954-47,290,957); duplicating any one gives the same sequence. VCF-style (leftmost placement, unchanged base first): chr17-47290953-G-GA. GRCh37 (hg19) VCF-style: chr17-45368319-G-GA.
Other names: NM_000212.3:c.1129dup; short protein forms I377fs.
Identifiers: ClinVar variation 1330315 (VCV001330315.1), dbSNP rs2143109012, ClinGen allele CA915940291.